The following is an entry in ClinVar:

ClinVar aggregate classification (germline): Uncertain significance (1 of 4 stars; one submission).

Conditions:
Familial infantile myasthenia (CMS6). Also called: MYASTHENIC SYNDROME, CONGENITAL, 6, PRESYNAPTIC; MYASTHENIC SYNDROME, PRESYNAPTIC, CONGENITAL, ASSOCIATED WITH EPISODIC APNEA; Congenital myasthenic syndrome type 6. Identifiers: Orphanet 590, MedGen C0393929, MONDO:0009689, OMIM 254210.

Allele frequency attached by ClinVar (database versions not stated): gnomAD exomes below 0.00001.
gnomAD v4.1: 2 of 1,614,204 alleles (0.00012%); highest among the groups gnomAD compares: Non-Finnish European, 0.00017%; no homozygotes.

Submission:

Labcorp Genetics (formerly Invitae), Labcorp
Classification: Uncertain significance for Familial infantile myasthenia. Last evaluated: 2021-02-18. Review status: criteria provided, single submitter. Criteria: Invitae Variant Classification Sherloc (09022015). Collection method: clinical testing. Allele origin: germline.
Comment: This sequence change replaces alanine with valine at codon 538 of the CHAT protein (p.Ala538Val). The alanine residue is moderately conserved and there is a small physicochemical difference between alanine and valine. This variant is not present in population databases (ExAC no frequency). This variant has not been reported in the literature in individuals with CHAT-related conditions. Algorithms developed to predict the effect of missense changes on protein structure and function (SIFT, PolyPhen-2, Align-GVGD) all suggest that this variant is likely to be tolerated, but these predictions have not been confirmed by published functional studies and their clinical significance is uncertain. In summary, the available evidence is currently insufficient to determine the role of this variant in disease. Therefore, it has been classified as a Variant of Uncertain Significance.

NM_020549.5(CHAT):c.1613C>T (p.Ala538Val)

Gene: CHAT (choline O-acetyltransferase; plus strand). Cytogenetic location: 10q11.23.
Variant type: single nucleotide variant.
Coding change: c.1613C>T on transcript NM_020549.5 (MANE Select); coding-DNA position 1613, C replaced by T.
Protein change: p.Ala538Val; replaces alanine 538 with valine.
Molecular consequence: missense variant.
Genome position (GRCh38, 1-based): chr10:49,651,985, C>T. VCF-style: chr10-49651985-C-T. GRCh37 (hg19) VCF-style: chr10-50860031-C-T.
Other names: c.1259C>T, p.Ala420Val (NM_001142929.2, NM_001142934.2, NM_020984.4 and 2 more transcripts); c.1367C>T, p.Ala456Val (NM_001142933.2); short protein forms A420V, A538V, A456V.
Identifiers: ClinVar variation 959987 (VCV000959987.9), dbSNP rs1839894638, ClinGen allele CA376745932.